The following is an entry in ClinVar:

NM_012463.4(ATP6V0A2):c.2294A>G (p.Gln765Arg)

Gene: ATP6V0A2 (ATPase H+ transporting V0 subunit a2; plus strand). Cytogenetic location: 12q24.31.
Variant type: single nucleotide variant.
Coding change: c.2294A>G on transcript NM_012463.4 (MANE Select); coding-DNA position 2294, A replaced by G.
Protein change: p.Gln765Arg; replaces glutamine 765 with arginine.
Molecular consequence: missense variant.
Genome position (GRCh38, 1-based): chr12:123,756,815, A>G. VCF-style: chr12-123756815-A-G. GRCh37 (hg19) VCF-style: chr12-124241362-A-G.
Other names: short protein forms Q765R.
Identifiers: ClinVar variation 1201142 (VCV001201142.9), dbSNP rs754014350, ClinGen allele CA6862210.

ClinVar aggregate classification (germline): Uncertain significance. Review status: criteria provided, multiple submitters, no conflicts (2 of 4 stars). 3 submissions from 3 submitters: Uncertain significance (3). Last evaluated 2025-03-03.

Conditions:
ALG9 congenital disorder of glycosylation (CDG1L). Also called: CONGENITAL DISORDER OF GLYCOSYLATION, TYPE Il; CDG Il; ALG9-CDG. Identifiers: Orphanet 79328, MedGen C2931006, MONDO:0012117, OMIM 608776.

Allele frequency attached by ClinVar (database versions not stated): ExAC 0.00001; gnomAD exomes 0.00001; TOPMed 0.00001; gnomAD 0.00002.
gnomAD v4.1: 9 of 1,613,632 alleles (0.00056%); highest among the groups gnomAD compares: Non-Finnish European, 0.00068%; no homozygotes.

Submissions (3):

Labcorp Genetics (formerly Invitae), Labcorp
Classification: Uncertain significance for ALG9 congenital disorder of glycosylation. Last evaluated: 2025-03-03. Review status: criteria provided, single submitter. Criteria: Invitae Variant Classification Sherloc (09022015). Collection method: clinical testing. Allele origin: germline.
Comment: This sequence change replaces glutamine, which is neutral and polar, with arginine, which is basic and polar, at codon 765 of the ATP6V0A2 protein (p.Gln765Arg). This variant is present in population databases (rs754014350, gnomAD 0.002%). This variant has not been reported in the literature in individuals affected with ATP6V0A2-related conditions. ClinVar contains an entry for this variant (Variation ID: 1201142). An algorithm developed to predict the effect of missense changes on protein structure and function (PolyPhen-2) suggests that this variant is likely to be tolerated. In summary, the available evidence is currently insufficient to determine the role of this variant in disease. Therefore, it has been classified as a Variant of Uncertain Significance.

Blueprint Genetics
Classification: Uncertain significance. Last evaluated: 2021-10-13. Review status: criteria provided, single submitter. Criteria: ACMG Guidelines, 2015. Collection method: clinical testing. Allele origin: germline.

GeneDx
Classification: Uncertain significance. Last evaluated: 2020-12-16. Review status: criteria provided, single submitter. Criteria: GeneDx Variant Classification Process June 2021. Collection method: clinical testing. Allele origin: germline. Affected: yes.
Comment: Not observed at a significant frequency in large population cohorts (Lek et al., 2016); In silico analysis, which includes protein predictors and evolutionary conservation, supports a deleterious effect; Has not been previously published as pathogenic or benign to our knowledge